The following is an entry in ClinVar:

ClinVar aggregate classification (germline): Conflicting classifications of pathogenicity. Review status: criteria provided, conflicting classifications (1 of 4 stars). 4 submissions from 4 submitters: Likely pathogenic (2); Uncertain significance (1). 1 of the submissions does not count toward it. Last evaluated 2026-01-18.

Conditions:
Cardiovascular phenotype. Identifiers: MedGen CN230736.
Long QT syndrome (LQTS). Identifiers: MedGen C0023976, MeSH D008133, MONDO:0002442. Disease mechanism: loss of function. Inheritance: Various modes of inheritance.

gnomAD v4.1: 1 of 1,612,526 alleles (0.000062%); highest among the groups gnomAD compares: South Asian, 0.0011%; no homozygotes.

Submissions (4):

Labcorp Genetics (formerly Invitae), Labcorp
Classification: Likely pathogenic for Long QT syndrome. Last evaluated: 2026-01-18. Review status: criteria provided, single submitter. Criteria: Invitae Variant Classification Sherloc (09022015). Collection method: clinical testing. Allele origin: germline.
Comment: This sequence change replaces serine, which is neutral and polar, with proline, which is neutral and non-polar, at codon 253 of the KCNQ1 protein (p.Ser253Pro). This variant is present in population databases (rs764781840, gnomAD 0.003%). This missense change has been observed in individuals with Long QT syndrome (internal data). ClinVar contains an entry for this variant (Variation ID: 200821). Invitae Evidence Modeling of protein sequence and biophysical properties (such as structural, functional, and spatial information, amino acid conservation, physicochemical variation, residue mobility, and thermodynamic stability) indicates that this missense variant is expected to disrupt KCNQ1 protein function with a positive predictive value of 95%. In summary, the currently available evidence indicates that the variant is pathogenic, but additional data are needed to prove that conclusively. Therefore, this variant has been classified as Likely Pathogenic.

Ambry Genetics
Classification: Uncertain significance for Cardiovascular phenotype. Last evaluated: 2025-04-23. Review status: criteria provided, single submitter. Criteria: Ambry Variant Classification Scheme 2023. Collection method: clinical testing. Allele origin: germline.
Comment: The p.S253P variant (also known as c.757T>C), located in coding exon 5 of the KCNQ1 gene, results from a T to C substitution at nucleotide position 757. The serine at codon 253 is replaced by proline, an amino acid with similar properties. This amino acid position is highly conserved in available vertebrate species. In addition, this alteration is predicted to be deleterious by in silico analysis. Based on the available evidence, the clinical significance of this variant remains unclear.

GeneDx
Classification: Likely pathogenic. Last evaluated: 2013-10-30. Review status: criteria provided, single submitter. Criteria: GeneDx Variant Classification (06012015). Collection method: clinical testing. Allele origin: germline. Affected: yes.
Comment: p.Ser253Pro (TCC>CCC): c.757 T>C in exon 5 of the KCNQ1 gene (NM_000218.2). The Ser253Pro variant in the KCNQ1 gene has not been reported as a disease-causing mutation or as a benign polymorphism to our knowledge. Ser253Pro results in a non-conservative amino acid substitution of polar Serine residue with a non-polar Proline residue at a position that is conserved across species. In silico analysis predicts Ser253Pro is probably damaging to the protein structure/function. Mutations in nearby residues (Leu251Pro, Leu251Met, Val254Leu, Val254Met) have been reported in association with LQTS, further supporting the functional importance of this region of the protein. Furthermore, the Ser253Pro variant was not observed in approximately 6,500 individuals of European and African American ancestry in the NHLBI Exome Sequencing Project, indicating it is not a common benign variant in these populations. Nevertheless, a study by Labro and colleagues (2011) reported that the Ser253 residue may tolerate substitutions and maintain gating kinetics similar to the wild type protein. In summary, while Ser253Pro is a good candidate for a disease-causing mutation, with the clinical and molecular information available at this time we cannot unequivocally determine the clinical significance of this variant. The variant is found in LQT panel(s).

Clinical Molecular Genetics Laboratory, Johns Hopkins All Children's Hospital
Classification: Uncertain significance for Long QT syndrome. Last evaluated: 2016-12-01. Review status: no assertion criteria provided. Collection method: clinical testing. Allele origin: germline. Affected: yes. Not counted in ClinVar's aggregate classification.

NM_000218.3(KCNQ1):c.757T>C (p.Ser253Pro)

Gene: KCNQ1 (potassium voltage-gated channel subfamily Q member 1; plus strand). Cytogenetic location: 11p15.5.
Variant type: single nucleotide variant.
Coding change: c.757T>C on transcript NM_000218.3 (MANE Select); coding-DNA position 757, T replaced by C.
Protein change: p.Ser253Pro; replaces serine 253 with proline.
Molecular consequence: missense variant.
Genome position (GRCh38, 1-based): chr11:2,572,086, T>C. VCF-style: chr11-2572086-T-C. GRCh37 (hg19) VCF-style: chr11-2593316-T-C.
Other names: p.S253P:TCC>CCC; c.757T>C, p.Ser253Pro (NM_001406836.1); c.487T>C, p.Ser163Pro (NM_001406837.1); c.376T>C, p.Ser126Pro (NM_181798.2); short protein forms S126P, S253P, S163P.
Identifiers: ClinVar variation 200821 (VCV000200821.15), dbSNP rs764781840, ClinGen allele CA008091.